The following is an entry in ClinVar:

NM_001142800.2(EYS):c.1293A>T (p.Arg431Ser)

Gene: EYS (EGF-like photoreceptor maintenance factor; minus strand). Cytogenetic location: 6q12.
Variant type: single nucleotide variant.
Coding change: c.1293A>T on transcript NM_001142800.2 (MANE Select); coding-DNA position 1293, A replaced by T.
Protein change: p.Arg431Ser; replaces arginine 431 with serine.
Molecular consequence: missense variant.
Genome position (GRCh38, 1-based): chr6:65,384,392, T>A on the plus strand (A>T on the coding strand, the complement: EYS is on the minus strand). VCF-style: chr6-65384392-T-A. GRCh37 (hg19) VCF-style: chr6-66094285-T-A.
Other names: c.1293A>T, p.Arg431Ser (NM_001142801.2, NM_001292009.2, NM_198283.2); short protein forms R431S.
Identifiers: ClinVar variation 912059 (VCV000912059.9), dbSNP rs371607669, ClinGen allele CA3877801.

ClinVar aggregate classification (germline): Uncertain significance. Review status: criteria provided, multiple submitters, no conflicts (2 of 4 stars). 6 submissions from 6 submitters: Uncertain significance (5). 1 of the submissions does not count toward it. Last evaluated 2024-01-11.

Conditions:
Autosomal recessive retinitis pigmentosa. Identifiers: MedGen C0339526.
Retinitis pigmentosa 25 (RP25). Identifiers: Orphanet 791, MedGen C1864446, MONDO:0011272, OMIM 602772.
Inborn genetic diseases. Identifiers: MedGen C0950123, MeSH D030342.
Retinitis pigmentosa (RP). Identifiers: Orphanet 791, MedGen C0035334, MeSH D012174, MONDO:0019200, OMIM 268000. Inheritance: Autosomal dominant, autosomal recessive and X linked inheritance.

Allele frequency attached by ClinVar (database versions not stated): ExAC 0.00003; gnomAD 0.00003 and 0.00004; gnomAD exomes 0.00004 and 0.00006; TOPMed 0.00007; ESP Exome Variant Server 0.00008.
gnomAD v4.1: 100 of 1,583,022 alleles (0.0063%); highest among the groups gnomAD compares: Middle Eastern, 0.017%; no homozygotes.

Submissions (6):

Blueprint Genetics
Classification: Uncertain significance. Last evaluated: 2024-01-11. Review status: criteria provided, single submitter. Criteria: ACMG Guidelines, 2015. Collection method: clinical testing. Allele origin: germline.

Ambry Genetics
Classification: Uncertain significance for Inborn genetic diseases. Last evaluated: 2022-11-18. Review status: criteria provided, single submitter. Criteria: Ambry Variant Classification Scheme 2023. Collection method: clinical testing. Allele origin: germline.

Labcorp Genetics (formerly Invitae), Labcorp
Classification: Uncertain significance. Last evaluated: 2022-08-17. Review status: criteria provided, single submitter. Criteria: Invitae Variant Classification Sherloc (09022015). Collection method: clinical testing. Allele origin: germline.
Comment: This sequence change replaces arginine, which is basic and polar, with serine, which is neutral and polar, at codon 431 of the EYS protein (p.Arg431Ser). This variant is present in population databases (rs371607669, gnomAD 0.006%). This variant has not been reported in the literature in individuals affected with EYS-related conditions. ClinVar contains an entry for this variant (Variation ID: 912059). Algorithms developed to predict the effect of missense changes on protein structure and function output the following: SIFT: "Tolerated"; PolyPhen-2: "Benign"; Align-GVGD: "Class C0". The serine amino acid residue is found in multiple mammalian species, which suggests that this missense change does not adversely affect protein function. In summary, the available evidence is currently insufficient to determine the role of this variant in disease. Therefore, it has been classified as a Variant of Uncertain Significance.

3billion
Classification: Uncertain significance for Retinitis pigmentosa 25. Last evaluated: 2022-01-03. Review status: criteria provided, single submitter. Criteria: ACMG Guidelines, 2015. Collection method: clinical testing. Allele origin: germline. Affected: yes. Observed: 1 heterozygote.
Comment: The variant is observed at an extremely low frequency in the gnomAD v2.1.1 dataset (total allele frequency: 0.000039, PM2_M). Therefore, this variant is classified as uncertain significance according to the recommendation of ACMG/AMP guideline.

Illumina Laboratory Services, Illumina
Classification: Uncertain significance for Retinitis pigmentosa. Last evaluated: 2018-01-13. Review status: criteria provided, single submitter. Criteria: ICSL Variant Classification Criteria 13 December 2019. Collection method: clinical testing. Allele origin: germline.

Natera, Inc.
Classification: Uncertain significance for Autosomal recessive retinitis pigmentosa. Last evaluated: 2020-09-14. Review status: no assertion criteria provided. Collection method: clinical testing. Allele origin: germline. Not counted in ClinVar's aggregate classification.